The following is an entry in ClinVar:

ClinVar aggregate classification (germline): Uncertain significance (1 of 4 stars; one submission).

gnomAD v4.1: 1 of 1,614,022 alleles (0.000062%); highest among the groups gnomAD compares: Non-Finnish European, 0.000085%; no homozygotes.

Submission:

Labcorp Genetics (formerly Invitae), Labcorp
Classification: Uncertain significance. Last evaluated: 2022-06-05. Review status: criteria provided, single submitter. Criteria: Invitae Variant Classification Sherloc (09022015). Collection method: clinical testing. Allele origin: germline.
Comment: This sequence change replaces glycine, which is neutral and non-polar, with arginine, which is basic and polar, at codon 249 of the PYCR2 protein (p.Gly249Arg). This variant is not present in population databases (gnomAD no frequency). This variant has not been reported in the literature in individuals affected with PYCR2-related conditions. ClinVar contains an entry for this variant (Variation ID: 1377258). Algorithms developed to predict the effect of missense changes on protein structure and function (SIFT, PolyPhen-2, Align-GVGD) all suggest that this variant is likely to be disruptive. This variant disrupts the p.Gly249 amino acid residue in PYCR2. Other variant(s) that disrupt this residue have been determined to be pathogenic (PMID: 32330411). This suggests that this residue is clinically significant, and that variants that disrupt this residue are likely to be disease-causing. In summary, the available evidence is currently insufficient to determine the role of this variant in disease. Therefore, it has been classified as a Variant of Uncertain Significance.

Literature cited by the submitters: PubMed 32330411.

NM_013328.4(PYCR2):c.745G>C (p.Gly249Arg)

Gene: PYCR2 (pyrroline-5-carboxylate reductase 2; minus strand). Cytogenetic location: 1q42.12.
Variant type: single nucleotide variant.
Coding change: c.745G>C on transcript NM_013328.4 (MANE Select); coding-DNA position 745, G replaced by C.
Protein change: p.Gly249Arg; replaces glycine 249 with arginine.
Molecular consequence: missense variant.
Genome position (GRCh38, 1-based): chr1:225,921,260, C>G on the plus strand (G>C on the coding strand, the complement: PYCR2 is on the minus strand). VCF-style: chr1-225921260-C-G. GRCh37 (hg19) VCF-style: chr1-226108960-C-G.
Other names: c.523G>C, p.Gly175Arg (NM_001271681.2); short protein forms G249R, G175R.
Identifiers: ClinVar variation 1377258 (VCV001377258.8), dbSNP rs1336290807, ClinGen allele CA345004819.